The following is an entry in ClinVar:

ClinVar aggregate classification (germline): Uncertain significance (1 of 4 stars; one submission).

Submission:

Labcorp Genetics (formerly Invitae), Labcorp
Classification: Uncertain significance. Last evaluated: 2022-07-03. Review status: criteria provided, single submitter. Criteria: Invitae Variant Classification Sherloc (09022015). Collection method: clinical testing. Allele origin: germline.
Comment: In summary, the available evidence is currently insufficient to determine the role of this variant in disease. Therefore, it has been classified as a Variant of Uncertain Significance. This variant has not been reported in the literature in individuals affected with SAMD11-related conditions. This variant results in a copy number gain of the genomic region encompassing exon(s) 3-4 of the SAMD11 gene. While the exact position of this variant cannot be determined from the data, sub-genic copy number gains are generally in tandem (PMID: 25640679). This variant is predicted to be out-of-frame, and may result in an absent or disrupted protein product. However, the current clinical and genetic evidence is not sufficient to establish whether loss-of-function variants in SAMD11 cause disease.

Literature cited by the submitters: PubMed 25640679.

NC_000001.10:g.(?_865515)_(866489_?)dup

Gene: SAMD11 (sterile alpha motif domain containing 11; plus strand). Cytogenetic location: 1p36.33.
Variant type: Duplication.
Identifiers: ClinVar variation 2427390 (VCV002427390.4).